The following is an entry in ClinVar:

NM_032043.3(BRIP1):c.3588T>C (p.Asn1196=)

Gene: BRIP1 (BRCA1 interacting DNA helicase 1; minus strand). Cytogenetic location: 17q23.2.
Variant type: single nucleotide variant.
Coding change: c.3588T>C on transcript NM_032043.3 (MANE Select); coding-DNA position 3588, T replaced by C.
Protein change: p.Asn1196=; no amino-acid change (asparagine 1196 retained).
Molecular consequence: synonymous variant.
Genome position (GRCh38, 1-based): chr17:61,683,458, A>G on the plus strand (T>C on the coding strand, the complement: BRIP1 is on the minus strand). VCF-style: chr17-61683458-A-G. GRCh37 (hg19) VCF-style: chr17-59760819-A-G.
Identifiers: ClinVar variation 481647 (VCV000481647.16), dbSNP rs1555572517, ClinGen allele CA501335227.

ClinVar aggregate classification (germline): Benign/Likely benign. Review status: criteria provided, multiple submitters, no conflicts (2 of 4 stars). 3 submissions from 3 submitters: Benign (1); Likely benign (2). Last evaluated 2025-10-08.

Conditions:
Familial cancer of breast. Also called: BREAST CANCER, FAMILIAL; Hereditary breast cancer; hereditary breast carcinoma. Identifiers: Orphanet 227535, MedGen C0346153, MONDO:0016419, OMIM 114480. Disease mechanism: loss of function.
Hereditary cancer-predisposing syndrome. Also called: Hereditary neoplastic syndrome; Neoplastic Syndromes, Hereditary; Tumor predisposition; Hereditary Cancer Syndrome. Identifiers: Orphanet 140162, MedGen C0027672, MeSH D009386, MONDO:0015356.
Fanconi anemia complementation group J. Also called: BRIP1-Related Fanconi Anemia. Identifiers: Orphanet 84, MedGen C1836860, MONDO:0012187, OMIM 609054.

gnomAD v4.1: 2 of 1,613,600 alleles (0.00012%); highest among the groups gnomAD compares: Middle Eastern, 0.017%; no homozygotes.

Submissions (3):

Labcorp Genetics (formerly Invitae), Labcorp
Classification: Likely benign for Familial cancer of breast; Fanconi anemia complementation group J. Last evaluated: 2025-10-08. Review status: criteria provided, single submitter. Criteria: Invitae Variant Classification Sherloc (09022015). Collection method: clinical testing. Allele origin: germline.

Myriad Genetics, Inc.
Classification: Benign for Familial cancer of breast. Last evaluated: 2024-09-10. Review status: criteria provided, single submitter. Criteria: Myriad Autosomal Dominant, Autosomal Recessive and X-Linked Classification Criteria (2023). Collection method: clinical testing. Allele origin: unknown.
Comment: This variant is considered benign. This variant is a silent/synonymous amino acid change and it is not expected to impact splicing.

Ambry Genetics
Classification: Likely benign for Hereditary cancer-predisposing syndrome. Last evaluated: 2016-06-03. Review status: criteria provided, single submitter. Criteria: Ambry Variant Classification Scheme 2023. Collection method: clinical testing. Allele origin: germline.